The following is an entry in ClinVar:

ClinVar aggregate classification (germline): Conflicting classifications of pathogenicity. Review status: criteria provided, conflicting classifications (1 of 4 stars). 5 submissions from 5 submitters: Uncertain significance (2); Likely benign (2). 1 of the submissions does not count toward it. Last evaluated 2025-02-16.

Conditions:
Occult macular dystrophy (OCMD). Also called: OCCULT MACULAR DYSTROPHY, SUSCEPTIBILITY TO; OMD. Identifiers: Orphanet 247834, MedGen C3150833, MONDO:0013316, OMIM 613587, HP:0030636.

Submissions (5):

Laboratory of Genetics, Children's Clinical University Hospital Latvia
Classification: Likely benign. Last evaluated: 2025-02-16. Review status: criteria provided, single submitter. Criteria: ACMG Guidelines, 2015. Collection method: clinical testing. Allele origin: germline. Affected: yes.

Mendelics
Classification: Likely benign for Occult macular dystrophy. Last evaluated: 2019-05-28. Review status: criteria provided, single submitter. Criteria: Mendelics Assertion Criteria 2017. Collection method: clinical testing. Allele origin: unknown.

CeGaT Center for Human Genetics Tuebingen
Classification: Uncertain significance. Last evaluated: 2018-03-01. Review status: criteria provided, single submitter. Criteria: CeGaT Center For Human Genetics Tuebingen Variant Classification Criteria Version 2. Collection method: clinical testing. Allele origin: germline. Affected: yes. Observed: 1 variant allele.

Eurofins Ntd Llc (ga)
Classification: Uncertain significance. Last evaluated: 2016-12-22. Review status: criteria provided, single submitter. Criteria: EGL Classification Definitions 2015. Collection method: clinical testing. Allele origin: germline. Observed: 1 variant allele, 1 homozygote.

Department of Pathology and Laboratory Medicine, Sinai Health System
Classification: Uncertain significance. Review status: no assertion criteria provided. Collection method: clinical testing. Allele origin: unknown. Affected: yes. Study: The Canadian Open Genetics Repository (COGR). Not counted in ClinVar's aggregate classification.
Comment: The RP1L1 p.Glu1323_Glu1324ins16 variant was not identified in the literature nor was it identified in the Cosmic or LOVD 3.0 databases. The variant was identified in dbSNP (ID: rs369606728), ClinVar (reported as uncertain significance by EGL Genetics) and Clinvitae. The variant was not identified in the following control databases: the 1000 Genomes Project, the NHLBI GO Exome Sequencing Project, the Exome Aggregation Consortium (August 8th 2016), or the Genome Aggregation Database (Feb 27, 2017). This variant is an in-frame insertion; the impact of this alteration on RP1L1 protein function is not known and computational analyses (MutationTaster and BLOSUM) provide inconsistent predictions regarding the impact to the protein. In summary, based on the above information the clinical significance of this variant cannot be determined with certainty at this time. This variant is classified as a variant of uncertain significance.

NM_178857.6(RP1L1):c.3970_3971insGGACTAAAGTAATAGAAGGGCTGCAAGAAGAGAGGGTGCAGTTAGAGG (p.Glu1323_Glu1324insGlyThrLysValIleGluGlyLeuGlnGluGluArgValGlnLeuGlu)

Gene: RP1L1 (RP1 like 1). Cytogenetic location: 8p23.1.
Variant type: Insertion.
Coding change: c.3970_3971insGGACTAAAGTAATAGAAGGGCTGCAAGAAGAGAGGGTGCAGTTAGAGG on transcript NM_178857.6 (MANE Select); coding-DNA positions 3970 to 3971, GGACTAAAGTAATAGAAGGGCTGCAAGAAGAGAGGGTGCAGTTAGAGG inserted.
Protein change: p.Glu1323_Glu1324insGlyThrLysValIleGluGlyLeuGlnGluGluArgValGlnLeuGlu.
Molecular consequence: inframe insertion.
Genome position: GRCh38: chr8:10,610,141-10,610,142. GRCh37 (hg19): chr8:10,467,651-10,467,652.
Identifiers: ClinVar variation 499361 (VCV000499361.50), dbSNP rs369606728, ClinGen allele CA171943677.